The following is an entry in ClinVar:

ClinVar aggregate classification (germline): Uncertain significance. Review status: criteria provided, multiple submitters, no conflicts (2 of 4 stars). 2 submissions from 2 submitters: Uncertain significance (2). Last evaluated 2019-12-23.

Conditions:
Ataxia-telangiectasia syndrome (AT). Also called: ATAXIA-TELANGIECTASIA, COMPLEMENTATION GROUP A; ATAXIA-TELANGIECTASIA, FRESNO VARIANT; Ataxia-telangiectasia, complementation group E; Ataxia telangiectasia (A-T); LOUIS-BAR SYNDROME; Cerebello-oculocutaneous telangiectasia. Identifiers: Orphanet 100, MedGen C0004135, MONDO:0008840, OMIM 208900.
Hereditary cancer-predisposing syndrome. Also called: Neoplastic Syndromes, Hereditary; Hereditary Cancer Syndrome; Hereditary neoplastic syndrome; Tumor predisposition. Identifiers: Orphanet 140162, MedGen C0027672, MeSH D009386, MONDO:0015356.

Submissions (2):

Ambry Genetics
Classification: Uncertain significance for Hereditary cancer-predisposing syndrome. Last evaluated: 2019-12-23. Review status: criteria provided, single submitter. Criteria: Ambry Variant Classification Scheme 2023. Collection method: clinical testing. Allele origin: germline.
Comment: The p.C1494S variant (also known as c.4480T>A), located in coding exon 29 of the ATM gene, results from a T to A substitution at nucleotide position 4480. The cysteine at codon 1494 is replaced by serine, an amino acid with dissimilar properties. This amino acid position is highly conserved in available vertebrate species. In addition, this alteration is predicted to be deleterious by in silico analysis. Since supporting evidence is limited at this time, the clinical significance of this alteration remains unclear.

Labcorp Genetics (formerly Invitae), Labcorp
Classification: Uncertain significance for Ataxia-telangiectasia syndrome. Last evaluated: 2019-12-16. Review status: criteria provided, single submitter. Criteria: Invitae Variant Classification Sherloc (09022015). Collection method: clinical testing. Allele origin: germline.
Comment: In summary, the available evidence is currently insufficient to determine the role of this variant in disease. Therefore, it has been classified as a Variant of Uncertain Significance. Algorithms developed to predict the effect of sequence changes on RNA splicing suggest that this variant may create or strengthen a splice site, but this prediction has not been confirmed by published transcriptional studies. Algorithms developed to predict the effect of missense changes on protein structure and function are either unavailable or do not agree on the potential impact of this missense change (SIFT: "Tolerated"; PolyPhen-2: "Possibly Damaging"; Align-GVGD: "Class C0"). This variant has not been reported in the literature in individuals with ATM-related conditions. This variant is not present in population databases (ExAC no frequency). This sequence change replaces cysteine with serine at codon 1494 of the ATM protein (p.Cys1494Ser). The cysteine residue is highly conserved and there is a moderate physicochemical difference between cysteine and serine.

NM_000051.4(ATM):c.4480T>A (p.Cys1494Ser)

Gene: ATM (ATM serine/threonine kinase; plus strand). Cytogenetic location: 11q22.3.
Variant type: single nucleotide variant.
Coding change: c.4480T>A on transcript NM_000051.4 (MANE Select); coding-DNA position 4480, T replaced by A.
Protein change: p.Cys1494Ser; replaces cysteine 1494 with serine.
Molecular consequence: missense variant.
Genome position (GRCh38, 1-based): chr11:108,292,662, T>A. VCF-style: chr11-108292662-T-A. GRCh37 (hg19) VCF-style: chr11-108163389-T-A.
Other names: c.4480T>A, p.Cys1494Ser (NM_001351834.2); short protein forms C1494S.
Identifiers: ClinVar variation 824926 (VCV000824926.14), dbSNP rs1060501576, ClinGen allele CA382533251.